The following is an entry in ClinVar:

NM_015047.3(EMC1):c.1333C>T (p.Arg445Cys)

Genes: EMC1 (ER membrane protein complex subunit 1; minus strand), EMC1-AS1 (EMC1 antisense RNA 1; plus strand). Cytogenetic location: 1p36.13.
Variant type: single nucleotide variant.
Coding change: c.1333C>T on transcript NM_015047.3 (MANE Select); coding-DNA position 1333, C replaced by T.
Protein change: p.Arg445Cys; replaces arginine 445 with cysteine.
Molecular consequence: missense variant.
Genome position (GRCh38, 1-based): chr1:19,235,229, G>A on the plus strand (C>T on the coding strand, the complement: EMC1 is on the minus strand). VCF-style: chr1-19235229-G-A. GRCh37 (hg19) VCF-style: chr1-19561723-G-A.
Other names: c.1330C>T, p.Arg444Cys (NM_001271427.2, NM_001271428.2, NM_001375821.1); c.1267C>T, p.Arg423Cys (NM_001271429.2); c.1333C>T, p.Arg445Cys (NM_001375820.1); short protein forms R444C, R423C, R445C.
Identifiers: ClinVar variation 1520091 (VCV001520091.9), dbSNP rs578239910, ClinGen allele CA652590.

ClinVar aggregate classification (germline): Conflicting classifications of pathogenicity. Review status: criteria provided, conflicting classifications (1 of 4 stars). 2 submissions from 2 submitters: Uncertain significance (1); Likely benign (1). Last evaluated 2024-02-20.

Allele frequency attached by ClinVar (database versions not stated): gnomAD 0.00002; TOPMed 0.00002; gnomAD exomes 0.00005 and 0.00008; ExAC 0.00008; 1000 Genomes Project 30x 0.00016; 1000 Genomes Project 0.00020.
gnomAD v4.1: 75 of 1,613,022 alleles (0.0046%); highest among the groups gnomAD compares: South Asian, 0.054%; 1 homozygote.

Submissions (2):

Labcorp Genetics (formerly Invitae), Labcorp
Classification: Uncertain significance. Last evaluated: 2024-02-20. Review status: criteria provided, single submitter. Criteria: Invitae Variant Classification Sherloc (09022015). Collection method: clinical testing. Allele origin: germline.
Comment: This sequence change replaces arginine, which is basic and polar, with cysteine, which is neutral and slightly polar, at codon 445 of the EMC1 protein (p.Arg445Cys). This variant is present in population databases (rs578239910, gnomAD 0.07%), including at least one homozygous and/or hemizygous individual. This variant has not been reported in the literature in individuals affected with EMC1-related conditions. ClinVar contains an entry for this variant (Variation ID: 1520091). Advanced modeling of protein sequence and biophysical properties (such as structural, functional, and spatial information, amino acid conservation, physicochemical variation, residue mobility, and thermodynamic stability) performed at Invitae indicates that this missense variant is expected to disrupt EMC1 protein function with a positive predictive value of 80%. In summary, the available evidence is currently insufficient to determine the role of this variant in disease. Therefore, it has been classified as a Variant of Uncertain Significance.

Blueprint Genetics
Classification: Likely benign. Last evaluated: 2021-12-15. Review status: criteria provided, single submitter. Criteria: ACMG Guidelines, 2015. Collection method: clinical testing. Allele origin: germline.